The following is an entry in ClinVar:

ClinVar aggregate classification (germline): Uncertain significance (1 of 4 stars; one submission).

gnomAD v4.1: 1 of 1,614,034 alleles (0.000062%); highest among the groups gnomAD compares: Non-Finnish European, 0.000085%; no homozygotes.

Submission:

GeneDx
Classification: Uncertain significance. Last evaluated: 2025-06-24. Review status: criteria provided, single submitter. Criteria: GeneDx Variant Classification Process June 2021. Collection method: clinical testing. Allele origin: germline. Affected: yes.
Comment: Not observed at significant frequency in large population cohorts (gnomAD); In silico analysis suggests that this missense variant does not alter protein structure/function; Has not been previously published as pathogenic or benign to our knowledge

NM_014991.6(WDFY3):c.10507G>A (p.Val3503Met)

Gene: WDFY3 (WD repeat and FYVE domain containing 3; minus strand). Cytogenetic location: 4q21.23.
Variant type: single nucleotide variant.
Coding change: c.10507G>A on transcript NM_014991.6 (MANE Select); coding-DNA position 10507, G replaced by A.
Protein change: p.Val3503Met; replaces valine 3503 with methionine.
Molecular consequence: missense variant.
Genome position (GRCh38, 1-based): chr4:84,672,942, C>T on the plus strand (G>A on the coding strand, the complement: WDFY3 is on the minus strand). VCF-style: chr4-84672942-C-T. GRCh37 (hg19) VCF-style: chr4-85594095-C-T.
Other names: short protein forms V3503M.
Identifiers: ClinVar variation 4540367 (VCV004540367.1).
Genomic context (GRCh38, chr4:84,672,942, plus strand): 5'-GCCCATCTTCTGAACCTCTCTCATGCTGTAAGTTATAATAACAGTTCTGACAAACACGCA[C>T]CGGGGATGAGATTTTCAAGCGTTTGATTTCAGATTGAAAGCGACTGCACCTAAAGGAAAG-3'
Protein context (NP_055806.2, residues 3493-3513): EIKRLKISSP[Val3503Met]RVCQNCYYNL